The following is an entry in ClinVar:

ClinVar aggregate classification (germline): Uncertain significance (1 of 4 stars; one submission).

Conditions:
Cardiovascular phenotype. Identifiers: MedGen CN230736.

Submission:

Ambry Genetics
Classification: Uncertain significance for Cardiovascular phenotype. Last evaluated: 2026-08-19. Review status: criteria provided, single submitter. Criteria: Ambry Variant Classification Scheme 2023. Collection method: clinical testing. Allele origin: germline.
Comment: The p.P238L variant (also known as c.713C>T), located in coding exon 10 of the COL1A1 gene, results from a C to T substitution at nucleotide position 713. The proline at codon 238 is replaced by leucine, an amino acid with similar properties. This amino acid position is well conserved in available vertebrate species. In addition, the in silico prediction for this alteration is inconclusive. Based on the available evidence, the clinical significance of this variant remains unclear.

NM_000088.4(COL1A1):c.713C>T (p.Pro238Leu)

Genes: COL1A1 (collagen type I alpha 1 chain; minus strand), LOC126862586 (CDK7 strongly-dependent group 2 enhancer GRCh37_chr17:48273702-48274901; plus strand). Cytogenetic location: 17q21.33.
Variant type: single nucleotide variant.
Coding change: c.713C>T on transcript NM_000088.4 (MANE Select); coding-DNA position 713, C replaced by T.
Protein change: p.Pro238Leu; replaces proline 238 with leucine.
Molecular consequence: missense variant.
Genome position (GRCh38, 1-based): chr17:50,197,217, G>A on the plus strand (C>T on the coding strand, the complement: COL1A1 is on the minus strand). VCF-style: chr17-50197217-G-A. GRCh37 (hg19) VCF-style: chr17-48274578-G-A.
Other names: short protein forms P238L.
Identifiers: ClinVar variation 5034707 (VCV005034707.1).